The following is an entry in ClinVar:

NC_000020.10:g.(?_56964516)_(57019291_?)del

Gene: VAPB (VAMP associated protein B and C; plus strand). Cytogenetic location: 20q13.32.
Variant type: Deletion.
Identifiers: ClinVar variation 3248274 (VCV003248274.1).

ClinVar aggregate classification (germline): Uncertain significance (1 of 4 stars; one submission).

Conditions:
Amyotrophic lateral sclerosis type 8 (ALS8). Identifiers: Orphanet 803, MedGen C1837728, MONDO:0012077, OMIM 608627.
Adult-onset proximal spinal muscular atrophy, autosomal dominant. Also called: FINKEL LATE-ADULT TYPE SMA; Spinal muscular atrophy, late-onset, finkel type. Identifiers: Orphanet 209335, MedGen C1854058, MONDO:0008453, OMIM 182980.

Submission:

Labcorp Genetics (formerly Invitae), Labcorp
Classification: Uncertain significance for Adult-onset proximal spinal muscular atrophy, autosomal dominant; Amyotrophic lateral sclerosis type 8. Last evaluated: 2023-12-06. Review status: criteria provided, single submitter. Criteria: Invitae Variant Classification Sherloc (09022015). Collection method: clinical testing. Allele origin: unknown.
Comment: A gross deletion of the genomic region encompassing the full coding sequence of the VAPB gene has been identified. The current clinical and genetic evidence is not sufficient to establish whether loss-of-function variants in VAPB cause disease. The boundaries of this event are unknown as they extend beyond the assayed region for this gene and therefore may encompass additional genes. This variant has not been reported in the literature in individuals affected with VAPB-related conditions. In summary, the available evidence is currently insufficient to determine the role of this variant in disease. Therefore, it has been classified as a Variant of Uncertain Significance.